The following is an entry in ClinVar:

NM_014283.5(SUCO):c.3566A>T (p.Asn1189Ile)

Gene: SUCO (SUN domain containing ossification factor; plus strand). Cytogenetic location: 1q24.3.
Variant type: single nucleotide variant.
Coding change: c.3566A>T on transcript NM_014283.5 (MANE Select); coding-DNA position 3566, A replaced by T.
Protein change: p.Asn1189Ile; replaces asparagine 1189 with isoleucine.
Molecular consequence: missense variant.
Genome position (GRCh38, 1-based): chr1:172,610,060, A>T. VCF-style: chr1-172610060-A-T. GRCh37 (hg19) VCF-style: chr1-172579200-A-T.
Other names: c.2453A>T, p.Asn818Ile (NM_001282750.2); c.1877A>T, p.Asn626Ile (NM_001282751.2); c.4019A>T, p.Asn1340Ile (NM_016227.4); short protein forms N1189I, N1340I, N818I, N626I.
Identifiers: ClinVar variation 3649072 (VCV003649072.2).
Genomic context (GRCh38, chr1:172,610,060, plus strand): 5'-CTTCATCACAGTCAGAAGAGTCCTATTTTTGTGGCATTTCAGCTTGCACAAGTCTGTGCA[A>T]TGGACAGTCTCAAAAGACAAAAACTGAGAAGAGGGCTTTAAAACGAAGACGATCTAAAGT-3'
Protein context (NP_055098.1, residues 1179-1199): CGISACTSLC[Asn1189Ile]GQSQKTKTEK

ClinVar aggregate classification (germline): Uncertain significance (1 of 4 stars; one submission).

Submission:

Labcorp Genetics (formerly Invitae), Labcorp
Classification: Uncertain significance. Last evaluated: 2024-04-19. Review status: criteria provided, single submitter. Criteria: Invitae Variant Classification Sherloc (09022015). Collection method: clinical testing. Allele origin: germline.
Comment: This sequence change replaces asparagine, which is neutral and polar, with isoleucine, which is neutral and non-polar, at codon 1189 of the SUCO protein (p.Asn1189Ile). This variant is not present in population databases (gnomAD no frequency). This variant has not been reported in the literature in individuals affected with SUCO-related conditions. An algorithm developed to predict the effect of missense changes on protein structure and function (PolyPhen-2) suggests that this variant is likely to be disruptive. In summary, the available evidence is currently insufficient to determine the role of this variant in disease. Therefore, it has been classified as a Variant of Uncertain Significance.